The following is an entry in ClinVar:

ClinVar aggregate classification (germline): Uncertain significance (1 of 4 stars; one submission).

Conditions:
Ehlers-Danlos syndrome, classic type, 1 (EDSCL1). Also called: EHLERS-DANLOS SYNDROME, GRAVIS TYPE; EHLERS-DANLOS SYNDROME, SEVERE CLASSIC TYPE; Ehlers-Danlos Syndrome, Classic Type, COL5A1-Related; EDS I; Ehlers-Danlos syndrome, type 1. Identifiers: MedGen C0268335, MONDO:0019567, OMIM 130000.

Allele frequency attached by ClinVar (database versions not stated): gnomAD 0.00001; gnomAD exomes below 0.00001; TOPMed below 0.00001; ExAC 0.00001.

Submission:

Labcorp Genetics (formerly Invitae), Labcorp
Classification: Uncertain significance for Ehlers-Danlos syndrome, classic type, 1. Last evaluated: 2021-08-31. Review status: criteria provided, single submitter. Criteria: Invitae Variant Classification Sherloc (09022015). Collection method: clinical testing. Allele origin: germline.
Comment: This sequence change replaces valine with isoleucine at codon 580 of the COL5A2 protein (p.Val580Ile). The valine residue is highly conserved and there is a small physicochemical difference between valine and isoleucine. This variant is present in population databases (rs771004951, ExAC 0.002%). This variant has not been reported in the literature in individuals affected with COL5A2-related conditions. Algorithms developed to predict the effect of missense changes on protein structure and function are either unavailable or do not agree on the potential impact of this missense change (SIFT: "Deleterious"; PolyPhen-2: "Benign"; Align-GVGD: "Class C25"). In summary, the available evidence is currently insufficient to determine the role of this variant in disease. Therefore, it has been classified as a Variant of Uncertain Significance.

NM_000393.5(COL5A2):c.1738G>A (p.Val580Ile)

Gene: COL5A2 (collagen type V alpha 2 chain; minus strand). Cytogenetic location: 2q32.2.
Variant type: single nucleotide variant.
Coding change: c.1738G>A on transcript NM_000393.5 (MANE Select); coding-DNA position 1738, G replaced by A.
Protein change: p.Val580Ile; replaces valine 580 with isoleucine.
Molecular consequence: missense variant.
Genome position (GRCh38, 1-based): chr2:189,064,012, C>T on the plus strand (G>A on the coding strand, the complement: COL5A2 is on the minus strand). VCF-style: chr2-189064012-C-T. GRCh37 (hg19) VCF-style: chr2-189928738-C-T.
Other names: short protein forms V580I.
Identifiers: ClinVar variation 408278 (VCV000408278.18), dbSNP rs771004951, ClinGen allele CA2022590.